The following is an entry in ClinVar:

ClinVar aggregate classification (germline): Pathogenic. Review status: criteria provided, multiple submitters, no conflicts (2 of 4 stars). 5 submissions from 5 submitters: Pathogenic (3). 2 of the submissions do not count toward it. Last evaluated 2021-08-24.

Conditions:
MYO7A-related disorder. Also called: MYO7A-related disorders.
Usher syndrome type 1 (USH1). Also called: RETINITIS PIGMENTOSA AND CONGENITAL DEAFNESS. Identifiers: Orphanet 231169, Orphanet 886, MedGen C1568247, MONDO:0010168, OMIM 276900.
Autosomal recessive nonsyndromic hearing loss 2. Also called: NEUROSENSORY NONSYNDROMIC RECESSIVE DEAFNESS 2; DEAFNESS, AUTOSOMAL RECESSIVE 2. Identifiers: Orphanet 90636, MedGen C1838701, MONDO:0010807, OMIM 600060.

Submissions (5):

Labcorp Genetics (formerly Invitae), Labcorp
Classification: Pathogenic. Last evaluated: 2021-08-24. Review status: criteria provided, single submitter. Criteria: Invitae Variant Classification Sherloc (09022015). Collection method: clinical testing. Allele origin: germline.
Comment: This sequence change creates a premature translational stop signal (p.Asn769Lysfs*5) in the MYO7A gene. It is expected to result in an absent or disrupted protein product. Loss-of-function variants in MYO7A are known to be pathogenic (PMID: 8900236, 25404053). This variant is not present in population databases (ExAC no frequency). This premature translational stop signal has been observed in individual(s) with clinical features of Usher syndrome (PMID: 23882135, 29490346). This variant is also known as c.2308delC. ClinVar contains an entry for this variant (Variation ID: 402264). For these reasons, this variant has been classified as Pathogenic.

King Laboratory, University of Washington
Classification: Pathogenic for Usher syndrome type 1. Last evaluated: 2020-08-01. Review status: criteria provided, single submitter. Criteria: Abu Rayyan A et al. (Proc Natl Acad Sci U S A 2020). Collection method: research. Allele origin: germline. Affected: yes.
Comment: MYO7A c.2307delC leads to a premature stop at codon 774. It is homozygous in 2 Palestinian children with severe to profound pre-lingual hearing loss and vestibular dysfunction (Abu Rayyan 2020). The variant is absent from 1300 Palestinian controls and absent from gnomAD v2.1.1.

Blueprint Genetics
Classification: Pathogenic for MYO7A-related disorders. Last evaluated: 2020-05-06. Review status: criteria provided, single submitter. Criteria: ACMG Guidelines, 2015. Collection method: clinical testing. Allele origin: germline. Affected: yes. Observed: 1 variant allele.

Sharon lab, Hadassah-Hebrew University Medical Center
Classification: Pathogenic for Usher syndrome type 1. Last evaluated: 2019-06-23. Review status: no assertion criteria provided. Collection method: research. Allele origin: inherited. Affected: yes. Not counted in ClinVar's aggregate classification.

Hereditary Research Laboratory, Bethlehem University
Classification: Pathogenic for Autosomal recessive nonsyndromic hearing loss 2. Last evaluated: 2016-06-04. Review status: no assertion criteria provided. Collection method: research. Allele origin: germline. Affected: yes. Not counted in ClinVar's aggregate classification.
Comment: severe to profound, GU3 vision OK but balance problems

Literature cited by the submitters: PubMed 8900236 (cited by Labcorp Genetics (formerly Invitae), Labcorp); PubMed 25404053 (cited by Labcorp Genetics (formerly Invitae), Labcorp); PubMed 23882135 (cited by Labcorp Genetics (formerly Invitae), Labcorp); PubMed 29490346 (cited by Labcorp Genetics (formerly Invitae), Labcorp).

NM_000260.4(MYO7A):c.2307del (p.Asn769fs)

Gene: MYO7A (myosin VIIA; plus strand). Cytogenetic location: 11q13.5.
Variant type: Deletion.
Coding change: c.2307del on transcript NM_000260.4 (MANE Select); coding-DNA position 2307, one base deleted (C; older notation c.2307delC).
Protein change: p.Asn769fs; shifts the reading frame from asparagine 769.
Molecular consequence: frameshift variant.
Genome position (GRCh38, 1-based): chr11:77,179,069, C deleted. VCF-style (leftmost placement, unchanged base first): chr11-77179068-AC-A. GRCh37 (hg19) VCF-style: chr11-76890114-AC-A.
Other names: c.2307del, p.Asn769fs (NM_001127180.2); c.2274del, p.Asn758fs (NM_001369365.1); c.2307del (NM_000260.3); short protein forms N758fs, N769fs.
Identifiers: ClinVar variation 402264 (VCV000402264.12), dbSNP rs1060499800, ClinGen allele CA16609575.